The following is an entry in ClinVar:

NM_001363711.2(DUOX2):c.1474A>G (p.Ser492Gly)

Gene: DUOX2 (dual oxidase 2; minus strand). Cytogenetic location: 15q21.1.
Variant type: single nucleotide variant.
Coding change: c.1474A>G on transcript NM_001363711.2 (MANE Select); coding-DNA position 1474, A replaced by G.
Protein change: p.Ser492Gly; replaces serine 492 with glycine.
Molecular consequence: missense variant.
Genome position (GRCh38, 1-based): chr15:45,108,147, T>C on the plus strand (A>G on the coding strand, the complement: DUOX2 is on the minus strand). VCF-style: chr15-45108147-T-C. GRCh37 (hg19) VCF-style: chr15-45400345-T-C.
Other names: c.1474A>G, p.Ser492Gly (NM_014080.5); short protein forms S492G.
Identifiers: ClinVar variation 4750781 (VCV004750781.1).

ClinVar aggregate classification (germline): Uncertain significance (1 of 4 stars; one submission).

gnomAD v4.1: 4 of 1,613,886 alleles (0.00025%); highest among the groups gnomAD compares: African/African-American, 0.004%; no homozygotes.

Submission:

Labcorp Genetics (formerly Invitae), Labcorp
Classification: Uncertain significance. Last evaluated: 2025-02-04. Review status: criteria provided, single submitter. Criteria: Invitae Variant Classification Sherloc (09022015). Collection method: clinical testing. Allele origin: germline.
Comment: This sequence change replaces serine, which is neutral and polar, with glycine, which is neutral and non-polar, at codon 492 of the DUOX2 protein (p.Ser492Gly). This variant is not present in population databases (gnomAD no frequency). This variant has not been reported in the literature in individuals affected with DUOX2-related conditions. Invitae Evidence Modeling of protein sequence and biophysical properties (such as structural, functional, and spatial information, amino acid conservation, physicochemical variation, residue mobility, and thermodynamic stability) indicates that this missense variant is not expected to disrupt DUOX2 protein function with a negative predictive value of 80%. In summary, the available evidence is currently insufficient to determine the role of this variant in disease. Therefore, it has been classified as a Variant of Uncertain Significance.